The following is an entry in ClinVar:

NM_001184.4(ATR):c.6301G>T (p.Ala2101Ser)

Gene: ATR (ATR serine/threonine kinase; minus strand). Cytogenetic location: 3q23.
Variant type: single nucleotide variant.
Coding change: c.6301G>T on transcript NM_001184.4 (MANE Select); coding-DNA position 6301, G replaced by T.
Protein change: p.Ala2101Ser; replaces alanine 2101 with serine.
Molecular consequence: missense variant.
Genome position (GRCh38, 1-based): chr3:142,470,104, C>A on the plus strand (G>T on the coding strand, the complement: ATR is on the minus strand). VCF-style: chr3-142470104-C-A. GRCh37 (hg19) VCF-style: chr3-142188946-C-A.
Other names: c.6109G>T, p.Ala2037Ser (NM_001354579.2); short protein forms A2101S, A2037S.
Identifiers: ClinVar variation 3461605 (VCV003461605.1).

ClinVar aggregate classification (germline): Uncertain significance (1 of 4 stars; one submission).

Conditions:
Inborn genetic diseases. Identifiers: MedGen C0950123, MeSH D030342.

Submission:

Ambry Genetics
Classification: Uncertain significance for Inborn genetic diseases. Last evaluated: 2024-08-17. Review status: criteria provided, single submitter. Criteria: Ambry Variant Classification Scheme 2023. Collection method: clinical testing. Allele origin: germline.
Comment: The p.A2101S variant (also known as c.6301G>T), located in coding exon 37 of the ATR gene, results from a G to T substitution at nucleotide position 6301. The alanine at codon 2101 is replaced by serine, an amino acid with similar properties. This amino acid position is conserved. In addition, this alteration is predicted to be tolerated by in silico analysis. Based on the available evidence, the clinical significance of this variant remains unclear.